The following is an entry in ClinVar:

NM_004168.4(SDHA):c.1860G>A (p.Glu620=)

Gene: SDHA (succinate dehydrogenase complex flavoprotein subunit A; plus strand). Cytogenetic location: 5p15.33.
Variant type: single nucleotide variant.
Coding change: c.1860G>A on transcript NM_004168.4 (MANE Select); coding-DNA position 1860, G replaced by A.
Protein change: p.Glu620=; no amino-acid change (glutamic acid 620 retained).
Molecular consequence: synonymous variant.
Genome position (GRCh38, 1-based): chr5:254,458, G>A. VCF-style: chr5-254458-G-A. GRCh37 (hg19) VCF-style: chr5-254573-G-A.
Other names: c.1716G>A, p.Glu572= (NM_001294332.2); c.1617G>A, p.Glu539= (NM_001330758.2).
Identifiers: ClinVar variation 1090654 (VCV001090654.13), dbSNP rs1447230295, ClinGen allele CA359001987.

ClinVar aggregate classification (germline): Benign/Likely benign. Review status: criteria provided, multiple submitters, no conflicts (2 of 4 stars). 4 submissions from 4 submitters: Benign (1); Likely benign (3). Last evaluated 2025-07-31.

Conditions:
Mitochondrial complex II deficiency, nuclear type 1. Also called: SUCCINATE CoQ REDUCTASE DEFICIENCY. Identifiers: Orphanet 3208, MedGen C5700310, MONDO:0100294, OMIM 252011.
Pheochromocytoma/paraganglioma syndrome 5. Also called: Paragangliomas 5; SDHA-Related Hereditary Paraganglioma-Pheochromocytoma Syndrome. Identifiers: Orphanet 29072, MedGen C3279992, MONDO:0013602, OMIM 614165.
Hereditary cancer-predisposing syndrome. Also called: Neoplastic Syndromes, Hereditary; Hereditary Cancer Syndrome; Hereditary neoplastic syndrome; Tumor predisposition. Identifiers: Orphanet 140162, MedGen C0027672, MeSH D009386, MONDO:0015356.

Allele frequency attached by ClinVar (database versions not stated): gnomAD exomes below 0.00001 and 0.00001; TOPMed below 0.00001.
gnomAD v4.1: 5 of 1,591,158 alleles (0.00031%); highest among the groups gnomAD compares: Non-Finnish European, 0.00043%; no homozygotes.

Submissions (4):

Labcorp Genetics (formerly Invitae), Labcorp
Classification: Likely benign for Pheochromocytoma/paraganglioma syndrome 5; Mitochondrial complex II deficiency, nuclear type 1. Last evaluated: 2025-07-31. Review status: criteria provided, single submitter. Criteria: Invitae Variant Classification Sherloc (09022015). Collection method: clinical testing. Allele origin: germline.

Myriad Genetics, Inc.
Classification: Benign for Pheochromocytoma/paraganglioma syndrome 5. Last evaluated: 2025-03-11. Review status: criteria provided, single submitter. Criteria: Myriad Autosomal Dominant, Autosomal Recessive and X-Linked Classification Criteria (2023). Collection method: clinical testing. Allele origin: unknown.
Comment: This variant is considered benign. This variant is a silent/synonymous amino acid change and it is not expected to impact splicing.

Blueprint Genetics
Classification: Likely benign. Last evaluated: 2024-04-29. Review status: criteria provided, single submitter. Criteria: ACMG Guidelines, 2015. Collection method: clinical testing. Allele origin: germline.

Ambry Genetics
Classification: Likely benign for Hereditary cancer-predisposing syndrome. Last evaluated: 2022-04-22. Review status: criteria provided, single submitter. Criteria: Ambry Variant Classification Scheme 2023. Collection method: clinical testing. Allele origin: germline.